The following is an entry in ClinVar:

ClinVar aggregate classification (germline): Uncertain significance (1 of 4 stars; one submission).

Submission:

GeneDx
Classification: Uncertain significance. Last evaluated: 2022-03-22. Review status: criteria provided, single submitter. Criteria: GeneDx Variant Classification Process June 2021. Collection method: clinical testing. Allele origin: germline. Affected: yes.
Comment: Not observed at significant frequency in large population cohorts (gnomAD); In silico analysis supports that this missense variant has a deleterious effect on protein structure/function; Has not been previously published as pathogenic or benign to our knowledge

NM_017563.5(IL17RD):c.1061C>A (p.Pro354Gln)

Gene: IL17RD (interleukin 17 receptor D; minus strand). Cytogenetic location: 3p14.3.
Variant type: single nucleotide variant.
Coding change: c.1061C>A on transcript NM_017563.5 (MANE Select); coding-DNA position 1061, C replaced by A.
Protein change: p.Pro354Gln; replaces proline 354 with glutamine.
Molecular consequence: missense variant.
Genome position (GRCh38, 1-based): chr3:57,101,282, G>T on the plus strand (C>A on the coding strand, the complement: IL17RD is on the minus strand). VCF-style: chr3-57101282-G-T. GRCh37 (hg19) VCF-style: chr3-57135310-G-T.
Other names: c.1061C>A, p.Pro354Gln (NM_001080973.1); c.629C>A, p.Pro210Gln (NM_001318864.2); short protein forms P210Q, P354Q.
Identifiers: ClinVar variation 1708709 (VCV001708709.2), dbSNP rs534280278, ClinGen allele CA353314443.